The following is an entry in ClinVar:

NM_199242.3(UNC13D):c.1448G>A (p.Gly483Asp)

Gene: UNC13D (unc-13 homolog D; minus strand). Cytogenetic location: 17q25.1.
Variant type: single nucleotide variant.
Coding change: c.1448G>A on transcript NM_199242.3 (MANE Select); coding-DNA position 1448, G replaced by A.
Protein change: p.Gly483Asp; replaces glycine 483 with aspartic acid.
Molecular consequence: missense variant.
Genome position (GRCh38, 1-based): chr17:75,836,108, C>T on the plus strand (G>A on the coding strand, the complement: UNC13D is on the minus strand). VCF-style: chr17-75836108-C-T. GRCh37 (hg19) VCF-style: chr17-73832189-C-T.
Other names: short protein forms G483D.
Identifiers: ClinVar variation 2009861 (VCV002009861.6), dbSNP rs2064906920, ClinGen allele CA401098211.

ClinVar aggregate classification (germline): Uncertain significance. Review status: criteria provided, multiple submitters, no conflicts (2 of 4 stars). 2 submissions from 2 submitters: Uncertain significance (2). Last evaluated 2023-05-03.

Conditions:
Familial hemophagocytic lymphohistiocytosis 3 (FHL3). Also called: UNC13D-Related Familial Hemophagocytic Lymphohistiocytosis (UNC13D-fHLH). Identifiers: Orphanet 540, MedGen C1837174, MONDO:0012146, OMIM 608898.
Inborn genetic diseases. Identifiers: MedGen C0950123, MeSH D030342.

Allele frequency attached by ClinVar (database versions not stated): gnomAD exomes below 0.00001.

Submissions (2):

Ambry Genetics
Classification: Uncertain significance for Inborn genetic diseases. Last evaluated: 2023-05-03. Review status: criteria provided, single submitter. Criteria: Ambry Variant Classification Scheme 2023. Collection method: clinical testing. Allele origin: germline.

Labcorp Genetics (formerly Invitae), Labcorp
Classification: Uncertain significance for Familial hemophagocytic lymphohistiocytosis 3. Last evaluated: 2022-06-23. Review status: criteria provided, single submitter. Criteria: Invitae Variant Classification Sherloc (09022015). Collection method: clinical testing. Allele origin: germline.
Comment: In summary, the available evidence is currently insufficient to determine the role of this variant in disease. Therefore, it has been classified as a Variant of Uncertain Significance. Algorithms developed to predict the effect of missense changes on protein structure and function output the following: SIFT: "Not Available"; PolyPhen-2: "Benign"; Align-GVGD: "Not Available". The aspartic acid amino acid residue is found in multiple mammalian species, which suggests that this missense change does not adversely affect protein function. This variant has not been reported in the literature in individuals affected with UNC13D-related conditions. This variant is not present in population databases (gnomAD no frequency). This sequence change replaces glycine, which is neutral and non-polar, with aspartic acid, which is acidic and polar, at codon 483 of the UNC13D protein (p.Gly483Asp).